The following is an entry in ClinVar:

NM_138691.3(TMC1):c.*106G>C

Gene: TMC1 (transmembrane channel like 1; plus strand). Cytogenetic location: 9q21.13.
Variant type: single nucleotide variant.
Coding change: c.*106G>C on transcript NM_138691.3 (MANE Select); 106 bases downstream of the stop codon, G replaced by C.
Molecular consequence: 3 prime UTR variant.
Genome position (GRCh38, 1-based): chr9:72,836,079, G>C. VCF-style: chr9-72836079-G-C. GRCh37 (hg19) VCF-style: chr9-75450995-G-C.
Identifiers: ClinVar variation 367265 (VCV000367265.36), dbSNP rs79830675, ClinGen allele CA5082304.
Genomic context (GRCh38, chr9:72,836,079, plus strand): 5'-TAAAAGTAATGCAATATGTGAACGCCCAGAGAACAAGCACTGTGGAACTGCTATTTTCCT[G>C]TTCTACCCTTGATGGATTTTCAAGGTCATGCTGGCCAATTAAGGCATCATCAGTCCTACC-3'

ClinVar aggregate classification (germline): Conflicting classifications of pathogenicity. Review status: criteria provided, conflicting classifications (1 of 4 stars). 4 submissions from 3 submitters: Uncertain significance (1); Benign (2); Likely benign (1). Last evaluated 2026-09-01.

Conditions:
Autosomal dominant nonsyndromic hearing loss 36. Identifiers: Orphanet 90635, MedGen C1847626, MONDO:0011708, OMIM 606705.
Autosomal recessive nonsyndromic hearing loss 7. Also called: DEAFNESS, AUTOSOMAL RECESSIVE 11. Identifiers: Orphanet 90636, MedGen C1832978, MONDO:0010967, OMIM 600974.

Allele frequency attached by ClinVar (database versions not stated): 1000 Genomes Project 30x 0.00547; 1000 Genomes Project 0.00579; TOPMed 0.00861; gnomAD exomes 0.01094 and 0.01297; gnomAD 0.01105 and 0.01140; ExAC 0.01181.
gnomAD v4.1: 16,694 of 1,314,098 alleles (1.3%); highest among the groups gnomAD compares: Middle Eastern, 1.7%; 166 homozygotes.

Submissions (4):

CeGaT Center for Human Genetics Tuebingen
Classification: Benign. Last evaluated: 2026-09-01. Review status: criteria provided, single submitter. Criteria: CeGaT Center For Human Genetics Tuebingen Variant Classification Criteria Version 2. Collection method: clinical testing. Allele origin: germline. Affected: yes. Observed: 25 variant alleles.
Comment: TMC1: BP4, BP7, BS1, BS2

GeneDx
Classification: Likely benign. Last evaluated: 2018-06-29. Review status: criteria provided, single submitter. Criteria: GeneDx Variant Classification Process June 2021. Collection method: clinical testing. Allele origin: germline. Affected: yes.

Illumina Laboratory Services, Illumina
Classification: Uncertain significance for Autosomal recessive nonsyndromic hearing loss 7. Last evaluated: 2018-01-12. Review status: criteria provided, single submitter. Criteria: ICSL Variant Classification Criteria 13 December 2019. Collection method: clinical testing. Allele origin: germline.

Illumina Laboratory Services, Illumina
Classification: Benign for Autosomal dominant nonsyndromic hearing loss 36. Last evaluated: 2018-01-12. Review status: criteria provided, single submitter. Criteria: ICSL Variant Classification Criteria 13 December 2019. Collection method: clinical testing. Allele origin: germline.
Comment: This variant was observed in the ICSL laboratory as part of a predisposition screen in an ostensibly healthy population. It had not been previously curated by ICSL or reported in the Human Gene Mutation Database (HGMD: prior to June 1st, 2018), and was therefore a candidate for classification through an automated scoring system. Utilizing variant allele frequency, disease prevalence and penetrance estimates, and inheritance mode, an automated score was calculated to assess if this variant is too frequent to cause the disease. Based on the score and internal cut-off values, a variant classified as benign is not then subjected to further curation. The score for this variant resulted in a classification of benign for this disease.